The following is an entry in ClinVar:

NM_000102.4(CYP17A1):c.302del (p.Thr101fs)

Gene: CYP17A1 (cytochrome P450 family 17 subfamily A member 1; minus strand). Cytogenetic location: 10q24.32.
Variant type: Deletion.
Coding change: c.302del on transcript NM_000102.4 (MANE Select); coding-DNA position 302, one base deleted (C; older notation c.302delC).
Protein change: p.Thr101fs; shifts the reading frame from threonine 101.
Molecular consequence: frameshift variant.
Genome position (GRCh38, 1-based): chr10:102,835,388, G deleted on the plus strand (C on the coding strand, the reverse complement: CYP17A1 is on the minus strand). VCF-style (leftmost placement, unchanged base first): chr10-102835387-AG-A. GRCh37 (hg19) VCF-style: chr10-104595144-AG-A.
Other names: short protein forms T101fs.
Identifiers: ClinVar variation 2136932 (VCV002136932.4), dbSNP rs2493243312, ClinGen allele CA2580081209.

ClinVar aggregate classification (germline): Pathogenic (1 of 4 stars; one submission).

Submission:

Labcorp Genetics (formerly Invitae), Labcorp
Classification: Pathogenic. Last evaluated: 2022-02-06. Review status: criteria provided, single submitter. Criteria: Invitae Variant Classification Sherloc (09022015). Collection method: clinical testing. Allele origin: germline.
Comment: This premature translational stop signal has been observed in individual(s) with CYP17A1-related conditions (PMID: 26345865). For these reasons, this variant has been classified as Pathogenic. This sequence change creates a premature translational stop signal (p.Thr101Ilefs*2) in the CYP17A1 gene. It is expected to result in an absent or disrupted protein product. Loss-of-function variants in CYP17A1 are known to be pathogenic (PMID: 17192295, 20197673, 24140098). This variant is not present in population databases (gnomAD no frequency).

Literature cited by the submitters: PubMed 26345865; PubMed 17192295; PubMed 20197673; PubMed 24140098.